The following is an entry in ClinVar:

ClinVar aggregate classification (germline): Uncertain significance (1 of 4 stars; one submission).

Submission:

Women's Health and Genetics/Laboratory Corporation of America, LabCorp
Classification: Uncertain significance. Last evaluated: 2026-04-23. Review status: criteria provided, single submitter. Criteria: LabCorp Variant Classification Summary - May 2015. Collection method: clinical testing. Allele origin: germline.
Comment: Variant summary: POLRMT c.3267+5G>A alters a nucleotide located close to a canonical splice site and therefore could affect mRNA splicing, leading to a significantly altered protein sequence. Several computational tools predict a significant impact on normal splicing: Three predict the variant weakens a 5' splicing donor site. One predicts the variant abolishes a 5' splicing donor site. One predicts the variant strengthens a cryptic 5' donor site. However, these predictions have yet to be confirmed by functional studies. The variant was absent in 217712 control chromosomes. The available data on variant occurrences in the general population are insufficient to allow any conclusion about variant significance. To our knowledge, no occurrence of c.3267+5G>A in individuals affected with POLRMT-related conditions and no experimental evidence demonstrating its impact on protein function have been reported. No submitters have cited clinical-significance assessments for this variant to ClinVar. Based on the evidence outlined above, the variant was classified as uncertain significance.

NM_005035.4(POLRMT):c.3267+5G>A

Gene: POLRMT (RNA polymerase mitochondrial; minus strand). Cytogenetic location: 19p13.3.
Variant type: single nucleotide variant.
Coding change: c.3267+5G>A on transcript NM_005035.4 (MANE Select); 5 bases into the intron after coding-DNA position 3267, G replaced by A.
Molecular consequence: intron variant.
Genome position (GRCh38, 1-based): chr19:618,992, C>T on the plus strand (G>A on the coding strand, the complement: POLRMT is on the minus strand). VCF-style: chr19-618992-C-T. GRCh37 (hg19) VCF-style: chr19-618992-C-T.
Other names: c.3225+5G>A (NM_001407813.1, NM_001407811.1); c.3255+5G>A (NM_001407810.1, NM_001407807.1); c.3258+5G>A (NM_001407809.1, NM_001407806.1); c.3042+5G>A (NM_001407832.1, NM_001407830.1); c.3144+5G>A (NM_001407829.1); c.3189+5G>A (NM_001407815.1, NM_001407814.1); c.3228+5G>A (NM_001407812.1); c.3267+5G>A (NM_001407816.1, NM_001407805.1); and 5 more.
Identifiers: ClinVar variation 4849124 (VCV004849124.1).
Genomic context (GRCh38, chr19:618,992, plus strand): 5'-GTACACTGGGACGCTGTTACACTGGGATGGTGGCACACTGGGGAGGGATGGGGTGGTACA[C>T]TGACCTTGACCTTGGAGTCCAGGCGATAGGGCTGGATGACGGGGACGCCCAGGGGTGTGA-3'